The following is an entry in ClinVar:

ClinVar aggregate classification (germline): Uncertain significance (1 of 4 stars; one submission).

gnomAD v4.1: 2 of 1,613,916 alleles (0.00012%); highest among the groups gnomAD compares: Admixed American, 0.0033%; no homozygotes.

Submission:

Labcorp Genetics (formerly Invitae), Labcorp
Classification: Uncertain significance. Last evaluated: 2024-04-26. Review status: criteria provided, single submitter. Criteria: Invitae Variant Classification Sherloc (09022015). Collection method: clinical testing. Allele origin: germline.
Comment: This sequence change affects codon 460 of the PTDSS1 mRNA. It is a 'silent' change, meaning that it does not change the encoded amino acid sequence of the PTDSS1 protein. This variant is present in population databases (no rsID available, gnomAD 0.006%). This variant has not been reported in the literature in individuals affected with PTDSS1-related conditions. Algorithms developed to predict the effect of sequence changes on RNA splicing suggest that this variant may disrupt the consensus splice site. In summary, the available evidence is currently insufficient to determine the role of this variant in disease. Therefore, it has been classified as a Variant of Uncertain Significance.

NM_014754.3(PTDSS1):c.1378C>A (p.Arg460=)

Gene: PTDSS1 (phosphatidylserine synthase 1; plus strand). Cytogenetic location: 8q22.1.
Variant type: single nucleotide variant.
Coding change: c.1378C>A on transcript NM_014754.3 (MANE Select); coding-DNA position 1378, C replaced by A.
Protein change: p.Arg460=; no amino-acid change (arginine 460 retained).
Molecular consequence: synonymous variant.
Genome position (GRCh38, 1-based): chr8:96,333,522, C>A. VCF-style: chr8-96333522-C-A. GRCh37 (hg19) VCF-style: chr8-97345750-C-A.
Other names: c.940C>A, p.Arg314= (NM_001290225.2).
Identifiers: ClinVar variation 3696731 (VCV003696731.2).